The following is an entry in ClinVar:

ClinVar aggregate classification (germline): Pathogenic. Review status: reviewed by expert panel (3 of 4 stars). 6 submissions from 6 submitters: Pathogenic (1). 5 of the submissions do not count toward it. Last evaluated 2023-08-25.

Conditions:
CDH1-related diffuse gastric and lobular breast cancer syndrome. Also called: CDH1-related diffuse gastric and lobular breast cancer. Identifiers: MedGen CN311521, MONDO:0100488.
Hereditary cancer-predisposing syndrome. Also called: Tumor predisposition; Neoplastic Syndromes, Hereditary; Hereditary Cancer Syndrome; Hereditary neoplastic syndrome. Identifiers: Orphanet 140162, MedGen C0027672, MeSH D009386, MONDO:0015356.
Hereditary diffuse gastric adenocarcinoma (HDGC). Also called: DIFFUSE GASTRIC AND LOBULAR BREAST CANCER SYNDROME. Identifiers: Orphanet 26106, MedGen C1708349, MONDO:0007648, OMIM 137215.
Familial cancer of breast. Also called: BREAST CANCER, FAMILIAL; hereditary breast carcinoma; Hereditary breast cancer. Identifiers: Orphanet 227535, MedGen C0346153, MONDO:0016419, OMIM 114480. Disease mechanism: loss of function.

Allele frequency attached by ClinVar (database versions not stated): TOPMed below 0.00001.

Submissions (6):

Clingen Gastric Cancer Variant Curation Expert Panel
Classification: Pathogenic for CDH1-related diffuse gastric and lobular breast cancer syndrome. Last evaluated: 2023-08-25. Review status: reviewed by expert panel. Criteria: ClinGen CDH1 ACMG Specifications V3.1. Collection method: curation. Allele origin: germline. Inheritance: Autosomal dominant inheritance.
Comment: The c.2T>C (p.Met1Thr) variant alters the start codon of the CDH1 coding sequence and is predicted to lead to an absent protein (PVS1). This variant is absent in the gnomAD cohort (PM2_supporting). This variant has been reported in at least 2 probands/families meeting HDGC clinical criteria (PS4_moderate; PMID: 20373070, SCV000760804.3). In summary, this variant meets criteria to be classified as pathogenic based on the ACMG/AMP Variant Interpretation Guidelines Version 3.1 as specified by the CDH1 Variant Curation Expert Panel: PVS1, PS4_moderate, PM2_supporting.

Labcorp Genetics (formerly Invitae), Labcorp
Classification: Pathogenic for Hereditary diffuse gastric adenocarcinoma. Last evaluated: 2023-06-30. Review status: criteria provided, single submitter. Criteria: Invitae Variant Classification Sherloc (09022015). Collection method: clinical testing. Allele origin: germline. Not counted in ClinVar's aggregate classification.
Comment: This sequence change affects the initiator methionine of the CDH1 mRNA. The next in-frame methionine is located at codon 246. This variant is not present in population databases (gnomAD no frequency). Disruption of the initiator codon has been observed in individuals with a personal or family history of diffuse gastric cancer and/or lobular breast cancer (PMID: 16061854, 20373070, 28202063; Invitae). ClinVar contains an entry for this variant (Variation ID: 486826). Other variant(s) that result in disruption of the initiator methionine (p.Met1) have been determined to be pathogenic (PMID: 16061854, 20373070, 28202063; Invitae). This suggests that this variant may also be clinically significant and likely to be disease-causing. Functional studies for this variant have not been reported. However, translation rescue by the downstream methionine at codon 246 would delete most of the first extracellular cadherin (EC1) domain (amino acid residues 155-262). This domain is important for the formation of intermolecular interactions with other CDH1 molecules to establish cell-cell junctions (PMID: 18726070, 2317870, 20066110). For these reasons, this variant has been classified as Pathogenic.

Myriad Genetics, Inc.
Classification: Likely pathogenic for Hereditary diffuse gastric adenocarcinoma. Last evaluated: 2023-06-08. Review status: criteria provided, single submitter. Criteria: Myriad Autosomal Dominant, Autosomal Recessive and X-Linked Classification Criteria (2023). Collection method: clinical testing. Allele origin: unknown. Not counted in ClinVar's aggregate classification.
Comment: This variant is considered likely pathogenic. This variant is located within the gene translation start codon (p.Met1?) and is predicted to result in abnormal protein translation.

European Reference Network on Genetic Tumour Risk Syndromes (ERN-GENTURIS), i3s - Instituto de Investigação e Inovação em Saúde, University of Porto
Classification: Pathogenic for Hereditary diffuse gastric adenocarcinoma. Last evaluated: 2022-08-01. Review status: criteria provided, single submitter. Criteria: Lee et al. (Hum Mutat. 2018). Collection method: clinical testing. Allele origin: germline. Inheritance: Autosomal dominant inheritance. Affected: yes. Study: ERN GENTURIS. Not counted in ClinVar's aggregate classification.
Comment: PVS1; PS4_Moderate; PM2 (PMID: 30311375)

Ambry Genetics
Classification: Pathogenic for Hereditary cancer-predisposing syndrome. Last evaluated: 2021-01-12. Review status: criteria provided, single submitter. Criteria: Ambry Variant Classification Scheme 2023. Collection method: clinical testing. Allele origin: germline. Not counted in ClinVar's aggregate classification.
Comment: The p.M1? pathogenic mutation (also known as c.2T>C), located in coding exon 1 of the CDH1 gene, results from a T to C substitution at nucleotide position 2. This alters the methionine residue at the initiation codon (ATG). This mutation was reported in the literature in a family with hereditary diffuse gastric cancer (Guilford P, Gastric Cancer 2010 Mar; 13(1):1-10). In addition to the clinical data presented in the literature, sequence variations that modify the initiation codon are expected to result in either loss of translation initiation, N-terminal truncation, or cause a shift in the mRNA reading frame. Based on the supporting evidence, this alteration is interpreted as a disease-causing mutation.

Department of Molecular Diagnostics, Institute of Oncology Ljubljana
Classification: Pathogenic for Familial cancer of breast. Last evaluated: 2020-04-02. Review status: criteria provided, single submitter. Criteria: ACMG Guidelines, 2015. Collection method: clinical testing. Allele origin: germline. Affected: yes. Not counted in ClinVar's aggregate classification.

Literature cited by the submitters: PubMed 16061854 (cited by Labcorp Genetics (formerly Invitae), Labcorp); PubMed 20373070 (cited by Labcorp Genetics (formerly Invitae), Labcorp and Ambry Genetics); PubMed 28202063 (cited by Labcorp Genetics (formerly Invitae), Labcorp); PubMed 18726070 (cited by Labcorp Genetics (formerly Invitae), Labcorp); PubMed 2317870 (cited by Labcorp Genetics (formerly Invitae), Labcorp); PubMed 20066110 (cited by Labcorp Genetics (formerly Invitae), Labcorp); PubMed 36436516 (cited by European Reference Network on Genetic Tumour Risk Syndromes (ERN-GENTURIS), i3s - Instituto de Investigação e Inovação em Saúde, University of Porto).

NM_004360.5(CDH1):c.2T>C (p.Met1Thr)

Gene: CDH1 (cadherin 1; plus strand). Cytogenetic location: 16q22.1.
Variant type: single nucleotide variant.
Coding change: c.2T>C on transcript NM_004360.5 (MANE Select); coding-DNA position 2, T replaced by C.
Protein change: p.Met1Thr; changes the start codon (methionine 1).
Molecular consequence: missense variant, initiator codon variant. On other transcripts: 5 prime UTR variant (2).
Genome position (GRCh38, 1-based): chr16:68,737,417, T>C. VCF-style: chr16-68737417-T-C. GRCh37 (hg19) VCF-style: chr16-68771320-T-C.
Other names: NM_004360.5(CDH1):c.2T>C; p.Met1Thr; c.2T>C (LRG_301t1, NM_004360.4); c.2T>C, p.Met1Thr (NM_001317184.2); c.-1614T>C (NM_001317185.2); c.-1818T>C (NM_001317186.2); short protein forms M1T.
Identifiers: ClinVar variation 486826 (VCV000486826.23), dbSNP rs1555509623, ClinGen allele CA396451185.